The following is an entry in ClinVar:

NM_000091.5(COL4A3):c.2489-1G>A

Genes: COL4A3 (collagen type IV alpha 3 chain; plus strand), MFF-DT (MFF divergent transcript; minus strand). Cytogenetic location: 2q36.3.
Variant type: single nucleotide variant.
Coding change: c.2489-1G>A on transcript NM_000091.5 (MANE Select); the canonical splice acceptor site of the intron before coding-DNA position 2489, G replaced by A.
Molecular consequence: splice acceptor variant.
Genome position (GRCh38, 1-based): chr2:227,282,364, G>A. VCF-style: chr2-227282364-G-A. GRCh37 (hg19) VCF-style: chr2-228147080-G-A.
Identifiers: ClinVar variation 804576 (VCV000804576.4), dbSNP rs1574782406, ClinGen allele CA350850121.

ClinVar aggregate classification (germline): Likely pathogenic. Review status: criteria provided, multiple submitters, no conflicts (2 of 4 stars). 3 submissions from 3 submitters: Likely pathogenic (3). Last evaluated 2024-04-25.

Conditions:
Autosomal recessive Alport syndrome (ATS2). Also called: COL4A4 Alport Syndrome and Thin Basement Membrane Nephropathy; COL4A3-Related Nephropathy; ALPORT SYNDROME 2, AUTOSOMAL RECESSIVE; Alport syndrome type 2. Identifiers: Orphanet 63, Orphanet 88919, MedGen C4746745, MONDO:0008762, OMIM 203780.

Submissions (3):

Labcorp Genetics (formerly Invitae), Labcorp
Classification: Likely pathogenic. Last evaluated: 2024-04-25. Review status: criteria provided, single submitter. Criteria: Invitae Variant Classification Sherloc (09022015). Collection method: clinical testing. Allele origin: germline.
Comment: This sequence change affects an acceptor splice site in intron 31 of the COL4A3 gene. It is expected to disrupt RNA splicing. Variants that disrupt the donor or acceptor splice site typically lead to a loss of protein function (PMID: 16199547), and loss-of-function variants in COL4A3 are known to be pathogenic (PMID: 8956999, 24854265, 26809805, 27281700). This variant is not present in population databases (gnomAD no frequency). Disruption of this splice site has been observed in individual(s) with Alport syndrome (PMID: 33369211). ClinVar contains an entry for this variant (Variation ID: 804576). Algorithms developed to predict the effect of sequence changes on RNA splicing suggest that this variant may disrupt the consensus splice site. In summary, the currently available evidence indicates that the variant is pathogenic, but additional data are needed to prove that conclusively. Therefore, this variant has been classified as Likely Pathogenic.

Medical Genetics, University of Parma
Classification: Likely pathogenic for Autosomal recessive Alport syndrome. Last evaluated: 2020-03-11. Review status: criteria provided, single submitter. Criteria: ACMG Guidelines, 2015. Collection method: clinical testing. Allele origin: germline. Affected: yes.

Athena Diagnostics
Classification: Likely pathogenic. Last evaluated: 2018-09-21. Review status: criteria provided, single submitter. Criteria: Athena Diagnostics Criteria. Collection method: clinical testing. Allele origin: germline.
Comment: The variant disrupts a canonical splice site, and is therefore predicted to significantly disrupt the protein structure. Not found in the total gnomAD dataset, and the data is high quality (0/275976 chr).

Literature cited by the submitters: PubMed 16199547 (cited by Labcorp Genetics (formerly Invitae), Labcorp); PubMed 8956999 (cited by Labcorp Genetics (formerly Invitae), Labcorp); PubMed 24854265 (cited by Labcorp Genetics (formerly Invitae), Labcorp); PubMed 26809805 (cited by Labcorp Genetics (formerly Invitae), Labcorp); PubMed 27281700 (cited by Labcorp Genetics (formerly Invitae), Labcorp); PubMed 33369211 (cited by Labcorp Genetics (formerly Invitae), Labcorp).